The following is an entry in ClinVar:

NM_007194.4(CHEK2):c.1296T>G (p.Thr432=)

Gene: CHEK2 (checkpoint kinase 2; minus strand). Cytogenetic location: 22q12.1.
Variant type: single nucleotide variant.
Coding change: c.1296T>G on transcript NM_007194.4 (MANE Select); coding-DNA position 1296, T replaced by G.
Protein change: p.Thr432=; no amino-acid change (threonine 432 retained).
Molecular consequence: synonymous variant.
Genome position (GRCh38, 1-based): chr22:28,695,206, A>C on the plus strand (T>G on the coding strand, the complement: CHEK2 is on the minus strand). VCF-style: chr22-28695206-A-C. GRCh37 (hg19) VCF-style: chr22-29091194-A-C.
Other names: c.1425T>G, p.Thr475= (NM_001005735.3); c.633T>G, p.Thr211= (NM_001257387.3); c.1095T>G, p.Thr365= (NM_001349956.3); c.1209T>G, p.Thr403= (NM_145862.3).
Identifiers: ClinVar variation 1769234 (VCV001769234.3), dbSNP rs2145795034, ClinGen allele CA513944831.

ClinVar aggregate classification (germline): Benign/Likely benign. Review status: criteria provided, multiple submitters, no conflicts (2 of 4 stars). 2 submissions from 2 submitters: Benign (1); Likely benign (1). Last evaluated 2024-10-07.

Conditions:
Hereditary cancer-predisposing syndrome. Also called: Hereditary Cancer Syndrome; Hereditary neoplastic syndrome; Neoplastic Syndromes, Hereditary; Tumor predisposition. Identifiers: Orphanet 140162, MedGen C0027672, MeSH D009386, MONDO:0015356.
Familial cancer of breast. Also called: BREAST CANCER, FAMILIAL; hereditary breast carcinoma; Hereditary breast cancer. Identifiers: Orphanet 227535, MedGen C0346153, MONDO:0016419, OMIM 114480. Disease mechanism: loss of function.

Submissions (2):

Myriad Genetics, Inc.
Classification: Benign for Familial cancer of breast. Last evaluated: 2024-10-07. Review status: criteria provided, single submitter. Criteria: Myriad Autosomal Dominant, Autosomal Recessive and X-Linked Classification Criteria (2023). Collection method: clinical testing. Allele origin: unknown.
Comment: This variant is considered benign. This variant is a silent/synonymous amino acid change and it is not expected to impact splicing.

Ambry Genetics
Classification: Likely benign for Hereditary cancer-predisposing syndrome. Last evaluated: 2022-07-26. Review status: criteria provided, single submitter. Criteria: Ambry Variant Classification Scheme 2023. Collection method: clinical testing. Allele origin: germline.